The following is an entry in ClinVar:

NM_001330260.2(SCN8A):c.5852C>G (p.Thr1951Ser)

Gene: SCN8A (sodium voltage-gated channel alpha subunit 8; plus strand). Cytogenetic location: 12q13.13.
Variant type: single nucleotide variant.
Coding change: c.5852C>G on transcript NM_001330260.2 (MANE Select); coding-DNA position 5852, C replaced by G.
Protein change: p.Thr1951Ser; replaces threonine 1951 with serine.
Molecular consequence: missense variant.
Genome position (GRCh38, 1-based): chr12:51,807,338, C>G. VCF-style: chr12-51807338-C-G. GRCh37 (hg19) VCF-style: chr12-52201122-C-G.
Other names: c.5729C>G, p.Thr1910Ser (NM_001177984.3, NM_001369788.1); c.5852C>G, p.Thr1951Ser (NM_014191.4); short protein forms T1910S, T1951S.
Identifiers: ClinVar variation 1317485 (VCV001317485.2), dbSNP rs2138944903, ClinGen allele CA384889934.

ClinVar aggregate classification (germline): Uncertain significance (1 of 4 stars; one submission).

Submission:

GeneDx
Classification: Uncertain significance. Last evaluated: 2021-04-23. Review status: criteria provided, single submitter. Criteria: GeneDx Variant Classification Process June 2021. Collection method: clinical testing. Allele origin: germline. Affected: yes.
Comment: Not observed in large population cohorts (Lek et al., 2016); Missense variants in this gene are often considered pathogenic (Stenson et al., 2014); In silico analysis supports that this missense variant has a deleterious effect on protein structure/function; This substitution is predicted to be within the C-terminal cytoplasmic domain.; Has not been previously published as pathogenic or benign to our knowledge